The following is an entry in ClinVar:

ClinVar aggregate classification (germline): Uncertain significance (1 of 4 stars; one submission).

Allele frequency attached by ClinVar (database versions not stated): ExAC 0.00001; TOPMed 0.00001; gnomAD 0.00002; gnomAD exomes 0.00002.

Submission:

Labcorp Genetics (formerly Invitae), Labcorp
Classification: Uncertain significance. Last evaluated: 2022-06-13. Review status: criteria provided, single submitter. Criteria: Invitae Variant Classification Sherloc (09022015). Collection method: clinical testing. Allele origin: germline.
Comment: This sequence change replaces arginine, which is basic and polar, with glutamine, which is neutral and polar, at codon 87 of the TYRP1 protein (p.Arg87Gln). This variant is present in population databases (rs757841041, gnomAD 0.01%). This missense change has been observed in individual(s) with clinical features of TYRP1-related conditions (Invitae). Algorithms developed to predict the effect of missense changes on protein structure and function are either unavailable or do not agree on the potential impact of this missense change (SIFT: "Tolerated"; PolyPhen-2: "Probably Damaging"; Align-GVGD: "Class C0"). In summary, the available evidence is currently insufficient to determine the role of this variant in disease. Therefore, it has been classified as a Variant of Uncertain Significance.

NM_000550.3(TYRP1):c.260G>A (p.Arg87Gln)

Gene: TYRP1 (tyrosinase related protein 1; plus strand). Cytogenetic location: 9p23.
Variant type: single nucleotide variant.
Coding change: c.260G>A on transcript NM_000550.3 (MANE Select); coding-DNA position 260, G replaced by A.
Protein change: p.Arg87Gln; replaces arginine 87 with glutamine.
Molecular consequence: missense variant.
Genome position (GRCh38, 1-based): chr9:12,694,256, G>A. VCF-style: chr9-12694256-G-A. GRCh37 (hg19) VCF-style: chr9-12694256-G-A.
Other names: short protein forms R87Q.
Identifiers: ClinVar variation 1929024 (VCV001929024.2), dbSNP rs757841041, ClinGen allele CA4985156.